The following is an entry in ClinVar:

ClinVar aggregate classification (germline): Uncertain significance (1 of 4 stars; one submission).

Allele frequency attached by ClinVar (database versions not stated): gnomAD 0.00001.
gnomAD v4.1: 2 of 1,613,934 alleles (0.00012%); highest among the groups gnomAD compares: African/African-American, 0.0013%; no homozygotes.

Submission:

Labcorp Genetics (formerly Invitae), Labcorp
Classification: Uncertain significance. Last evaluated: 2021-12-17. Review status: criteria provided, single submitter. Criteria: Invitae Variant Classification Sherloc (09022015). Collection method: clinical testing. Allele origin: germline.
Comment: This variant is not present in population databases (gnomAD no frequency). This sequence change replaces methionine, which is neutral and non-polar, with leucine, which is neutral and non-polar, at codon 981 of the IMPG2 protein (p.Met981Leu). This variant has not been reported in the literature in individuals affected with IMPG2-related conditions. In summary, the available evidence is currently insufficient to determine the role of this variant in disease. Therefore, it has been classified as a Variant of Uncertain Significance. Algorithms developed to predict the effect of missense changes on protein structure and function output the following: SIFT: "Tolerated"; PolyPhen-2: "Benign"; Align-GVGD: "Class C0". The leucine amino acid residue is found in multiple mammalian species, which suggests that this missense change does not adversely affect protein function.

NM_016247.4(IMPG2):c.2941A>C (p.Met981Leu)

Gene: IMPG2 (interphotoreceptor matrix proteoglycan 2; minus strand). Cytogenetic location: 3q12.3.
Variant type: single nucleotide variant.
Coding change: c.2941A>C on transcript NM_016247.4 (MANE Select); coding-DNA position 2941, A replaced by C.
Protein change: p.Met981Leu; replaces methionine 981 with leucine.
Molecular consequence: missense variant.
Genome position (GRCh38, 1-based): chr3:101,242,769, T>G on the plus strand (A>C on the coding strand, the complement: IMPG2 is on the minus strand). VCF-style: chr3-101242769-T-G. GRCh37 (hg19) VCF-style: chr3-100961613-T-G.
Other names: short protein forms M981L.
Identifiers: ClinVar variation 2048420 (VCV002048420.4), dbSNP rs926472701, ClinGen allele CA79720972.